The following is an entry in ClinVar:

NM_001042492.3(NF1):c.7662dup (p.Lys2555Ter)

Gene: NF1 (neurofibromin 1; plus strand). Cytogenetic location: 17q11.2.
Variant type: Duplication.
Coding change: c.7662dup on transcript NM_001042492.3 (MANE Select); coding-DNA position 7662, one base duplicated (T; older notation c.7662dupT).
Protein change: p.Lys2555Ter; replaces lysine 2555 with a stop codon.
Molecular consequence: nonsense. On other transcripts: frameshift variant (1).
Genome position (GRCh38, 1-based): chr17:31,356,506, T duplicated. VCF-style (leftmost placement, unchanged base first): chr17-31356505-C-CT. GRCh37 (hg19) VCF-style: chr17-29683523-C-CT.
Other names: c.7599dup, p.Lys2534Ter (NM_000267.4); c.7599dupT (NM_000267.3); short protein forms K2534*, K2555*.
Identifiers: ClinVar variation 4119199 (VCV004119199.1).
Genomic context (GRCh38, chr17:31,356,505, plus strand): 5'-AACTTTTGTTTATAGGAACAAGGAAAAGTTTTGATCACTTGATATCAGACACAAAGGCTC[C>CT]TAAAAGGCAAGAAATGGAATCAGGGATCACAACACCCCCCAAAATGAGGAGAGTAGCAGA-3'

ClinVar aggregate classification (germline): Pathogenic (1 of 4 stars; one submission).

Conditions:
Cardiovascular phenotype. Identifiers: MedGen CN230736.
Hereditary cancer-predisposing syndrome. Also called: Hereditary neoplastic syndrome; Neoplastic Syndromes, Hereditary; Tumor predisposition; Hereditary Cancer Syndrome. Identifiers: Orphanet 140162, MedGen C0027672, MeSH D009386, MONDO:0015356.

Submission:

Ambry Genetics
Classification: Pathogenic for Cardiovascular phenotype; Hereditary cancer-predisposing syndrome. Last evaluated: 2025-06-24. Review status: criteria provided, single submitter. Criteria: Ambry Variant Classification Scheme 2023. Collection method: clinical testing. Allele origin: germline.
Comment: The c.7599dupT (p.K2534*) alteration, located in exon 51 (coding exon 51) of the NF1 gene, consists of a duplication of T at position 7599, causing a translational frameshift with a predicted alternate stop codon after amino acids. This alteration is expected to result in loss of function by premature protein truncation or nonsense-mediated mRNA decay. This variant was not reported in population-based cohorts in the Genome Aggregation Database (gnomAD). Based on the available evidence, this alteration is classified as pathogenic.